The following is an entry in ClinVar:

ClinVar aggregate classification (germline): Benign (1 of 4 stars; one submission).

Submission:

CeGaT Center for Human Genetics Tuebingen
Classification: Benign. Last evaluated: 2025-02-01. Review status: criteria provided, single submitter. Criteria: CeGaT Center For Human Genetics Tuebingen Variant Classification Criteria Version 2. Collection method: clinical testing. Allele origin: germline. Affected: yes. Observed: 1 variant allele.
Comment: AHNAK2: BS1, BS2

NM_138420.4(AHNAK2):c.6377_6378del (p.Pro2126fs)

Gene: AHNAK2 (AHNAK nucleoprotein 2; minus strand). Cytogenetic location: 14q32.33.
Variant type: Deletion.
Coding change: c.6377_6378del on transcript NM_138420.4 (MANE Select); coding-DNA positions 6377 to 6378, 2 bases deleted (CA; older notation c.6377_6378delCA).
Protein change: p.Pro2126fs; shifts the reading frame from proline 2126.
Molecular consequence: frameshift variant.
Genome position (GRCh38, 1-based): chr14:104,949,073-104,949,074, TG deleted on the plus strand (CA on the coding strand, the reverse complement: AHNAK2 is on the minus strand). VCF-style (leftmost placement, unchanged base first): chr14-104949072-TTG-T. GRCh37 (hg19) VCF-style: chr14-105415409-TTG-T.
Other names: c.6077_6078del, p.Pro2026fs (NM_001350929.2); short protein forms P2026fs, P2126fs.
Identifiers: ClinVar variation 3772653 (VCV003772653.13).